The following is an entry in ClinVar:

NM_000135.4(FANCA):c.178C>A (p.Leu60Ile)

Gene: FANCA (FA complementation group A; minus strand). Cytogenetic location: 16q24.3.
Variant type: single nucleotide variant.
Coding change: c.178C>A on transcript NM_000135.4 (MANE Select); coding-DNA position 178, C replaced by A.
Protein change: p.Leu60Ile; replaces leucine 60 with isoleucine.
Molecular consequence: missense variant.
Genome position (GRCh38, 1-based): chr16:89,815,888, G>T on the plus strand (C>A on the coding strand, the complement: FANCA is on the minus strand). VCF-style: chr16-89815888-G-T. GRCh37 (hg19) VCF-style: chr16-89882296-G-T.
Other names: c.178C>A, p.Leu60Ile (NM_001018112.3, NM_001286167.3, NM_001351830.2); short protein forms L60I.
Identifiers: ClinVar variation 4843013 (VCV004843013.1).

ClinVar aggregate classification (germline): Uncertain significance (1 of 4 stars; one submission).

Conditions:
Inborn genetic diseases. Identifiers: MedGen C0950123, MeSH D030342.

Submission:

Ambry Genetics
Classification: Uncertain significance for Inborn genetic diseases. Last evaluated: 2025-12-20. Review status: criteria provided, single submitter. Criteria: Ambry Variant Classification Scheme 2023. Collection method: clinical testing. Allele origin: germline.
Comment: The p.L60I variant (also known as c.178C>A), located in coding exon 2 of the FANCA gene, results from a C to A substitution at nucleotide position 178. The leucine at codon 60 is replaced by isoleucine, an amino acid with highly similar properties. This amino acid position is conserved. In addition, this alteration is predicted to be tolerated by in silico analysis. Based on the available evidence, the clinical significance of this variant remains unclear.